The following is an entry in ClinVar:

NM_001267550.2(TTN):c.49172G>A (p.Arg16391Gln)

Genes: TTN (titin; minus strand), TTN-AS1 (TTN antisense RNA 1; plus strand), LOC126806426 (BRD4-independent group 4 enhancer GRCh37_chr2:179478848-179480047; plus strand). Cytogenetic location: 2q31.2.
Variant type: single nucleotide variant.
Coding change: c.49172G>A on transcript NM_001267550.2 (MANE Select); coding-DNA position 49172, G replaced by A.
Protein change: p.Arg16391Gln; replaces arginine 16391 with glutamine.
Molecular consequence: missense variant. On other transcripts: non-coding transcript variant (1).
Genome position (GRCh38, 1-based): chr2:178,614,225, C>T on the plus strand (G>A on the coding strand, the complement: TTN is on the minus strand). VCF-style: chr2-178614225-C-T. GRCh37 (hg19) VCF-style: chr2-179478952-C-T.
Other names: p.R14750Q:CGA>CAA; c.44249G>A, p.Arg14750Gln (NM_001256850.1); c.41468G>A, p.Arg13823Gln (NM_133378.4); c.21977G>A, p.Arg7326Gln (NM_003319.4); c.22352G>A, p.Arg7451Gln (NM_133432.3); c.22553G>A, p.Arg7518Gln (NM_133437.4); short protein forms R16391Q, R14750Q, R13823Q, R7326Q, R7451Q, R7518Q.
Identifiers: ClinVar variation 195636 (VCV000195636.32), dbSNP rs200944827, ClinGen allele CA302836.
Genomic context (GRCh38, chr2:178,614,225, plus strand): 5'-TTGAAGTTTGTATCCTTGACGGTGGATGAGAGCTTGTGCCACACTTCACTATCAGTTGCT[C>T]GTCTCTCCACAACATAGTTTGTGATCTTAGATCCACCATCATCGCGTGGTGGGTTCCATG-3'
Protein context (NP_001254479.2, residues 16381-16401): SKITNYVVER[Arg16391Gln]ATDSEVWHKL

ClinVar aggregate classification (germline): Conflicting classifications of pathogenicity. Review status: criteria provided, conflicting classifications (1 of 4 stars). 15 submissions from 11 submitters: Uncertain significance (9); Benign (4); Likely benign (2). Last evaluated 2026-05-14.

Conditions:
TTN-related disorder. Also called: TTN-related condition; TTN-related disease; TTN-related disorders.
Cardiovascular phenotype. Identifiers: MedGen CN230736.
Dilated cardiomyopathy 1G (CMD1G). Identifiers: Orphanet 154, MedGen C1858763, MONDO:0011400, OMIM 604145.
Autosomal recessive limb-girdle muscular dystrophy type 2J (LGMDR10). Also called: Limb-girdle muscular dystrophy, type 2J; MUSCULAR DYSTROPHY, LIMB-GIRDLE, AUTOSOMAL RECESSIVE 10. Identifiers: Orphanet 140922, MedGen C1837342, MONDO:0012127, OMIM 608807.
Early-onset myopathy with fatal cardiomyopathy (CMYO5). Also called: Salih Myopathy; CONGENITAL MYOPATHY 5 WITH CARDIOMYOPATHY. Identifiers: Orphanet 289377, MedGen C2673677, MONDO:0012714, OMIM 611705. Disease mechanism: loss of function.
Tibial muscular dystrophy (TMD). Also called: Tibial muscular dystrophy, tardive; Udd Distal Myopathy – Tibial Muscular Dystrophy; UDD MYOPATHY. Identifiers: Orphanet 609, MedGen C1838244, MONDO:0010870, OMIM 600334.
Myopathy, myofibrillar, 9, with early respiratory failure (MFM9). Also called: Myopathy, distal, with early respiratory failure, autosomal dominant; MYOPATHY, PROXIMAL, WITH EARLY RESPIRATORY MUSCLE INVOLVEMENT; Hereditary myopathy with early respiratory failure; EDSTROM MYOPATHY. Identifiers: Orphanet 178464, Orphanet 34521, MedGen C1863599, MONDO:0011362, OMIM 603689.

Allele frequency attached by ClinVar (database versions not stated): ExAC 0.00013; gnomAD 0.00013; gnomAD exomes 0.00014 and 0.00016; ESP Exome Variant Server 0.00016; TOPMed 0.00016.
gnomAD v4.1: 259 of 1,612,388 alleles (0.016%); highest among the groups gnomAD compares: Admixed American, 0.028%; no homozygotes.

Submissions (15):

PreventionGenetics, part of Exact Sciences
Classification: Uncertain significance for TTN-related condition. Last evaluated: 2026-05-14. Review status: criteria provided, single submitter. Criteria: ACMG Guidelines, 2015. Collection method: clinical testing. Allele origin: germline.
Comment: The TTN c.49172G>A variant is predicted to result in the amino acid substitution p.Arg16391Gln. This variant has been reported in an individual with hypertrophic cardiomyopathy (described as p.Arg13823Gln, van Lint et al. 2019. PubMed ID: 30847666). This variant is reported in 0.042% of alleles in individuals of East Asian descent in gnomAD and has conflicting interpretations regarding its pathogenicity in ClinVar, ranging from benign to uncertain (Variation ID: 195636). Although we suspect that this variant may be benign, at this time, the clinical significance of this variant is uncertain due to the absence of conclusive functional and genetic evidence.

Blueprint Genetics
Classification: Likely benign. Last evaluated: 2024-09-10. Review status: criteria provided, single submitter. Criteria: ACMG Guidelines, 2015. Collection method: clinical testing. Allele origin: germline.

Revvity Omics, Revvity
Classification: Uncertain significance. Last evaluated: 2024-06-10. Review status: criteria provided, single submitter. Criteria: ACMG Guidelines, 2015. Collection method: clinical testing. Allele origin: germline.

Ambry Genetics
Classification: Benign for Cardiovascular phenotype. Last evaluated: 2020-04-15. Review status: criteria provided, single submitter. Criteria: Ambry Variant Classification Scheme 2023. Collection method: clinical testing. Allele origin: germline.

Athena Diagnostics
Classification: Uncertain significance. Last evaluated: 2019-06-04. Review status: criteria provided, single submitter. Criteria: Athena Diagnostics Criteria. Collection method: clinical testing. Allele origin: germline.

GeneDx
Classification: Likely benign. Last evaluated: 2018-10-09. Review status: criteria provided, single submitter. Criteria: GeneDx Variant Classification Process June 2021. Collection method: clinical testing. Allele origin: germline. Affected: yes.
Comment: This variant is associated with the following publications: (PMID: 30847666)

Illumina Laboratory Services, Illumina
Classification: Uncertain significance for Autosomal recessive limb-girdle muscular dystrophy type 2J. Last evaluated: 2018-01-13. Review status: criteria provided, single submitter. Criteria: ICSL Variant Classification Criteria 13 December 2019. Collection method: clinical testing. Allele origin: germline.

Illumina Laboratory Services, Illumina
Classification: Benign for Tibial muscular dystrophy. Last evaluated: 2018-01-13. Review status: criteria provided, single submitter. Criteria: ICSL Variant Classification Criteria 13 December 2019. Collection method: clinical testing. Allele origin: germline.
Comment: This variant was observed in the ICSL laboratory as part of a predisposition screen in an ostensibly healthy population. It had not been previously curated by ICSL or reported in the Human Gene Mutation Database (HGMD: prior to June 1st, 2018), and was therefore a candidate for classification through an automated scoring system. Utilizing variant allele frequency, disease prevalence and penetrance estimates, and inheritance mode, an automated score was calculated to assess if this variant is too frequent to cause the disease. Based on the score and internal cut-off values, a variant classified as benign is not then subjected to further curation. The score for this variant resulted in a classification of benign for this disease.

Illumina Laboratory Services, Illumina
Classification: Uncertain significance for Early-onset myopathy with fatal cardiomyopathy. Last evaluated: 2018-01-13. Review status: criteria provided, single submitter. Criteria: ICSL Variant Classification Criteria 13 December 2019. Collection method: clinical testing. Allele origin: germline.

Illumina Laboratory Services, Illumina
Classification: Uncertain significance for Dilated cardiomyopathy 1G. Last evaluated: 2018-01-13. Review status: criteria provided, single submitter. Criteria: ICSL Variant Classification Criteria 13 December 2019. Collection method: clinical testing. Allele origin: germline.

Illumina Laboratory Services, Illumina
Classification: Benign for Myopathy, myofibrillar, 9, with early respiratory failure. Last evaluated: 2018-01-13. Review status: criteria provided, single submitter. Criteria: ICSL Variant Classification Criteria 13 December 2019. Collection method: clinical testing. Allele origin: germline.
Comment: the same text as in the submission from Illumina Laboratory Services, Illumina above.

Labcorp Genetics (formerly Invitae), Labcorp
Classification: Uncertain significance for Dilated cardiomyopathy 1G; Autosomal recessive limb-girdle muscular dystrophy type 2J. Last evaluated: 2017-12-15. Review status: criteria provided, single submitter. Criteria: Invitae Variant Classification Sherloc (09022015). Collection method: clinical testing. Allele origin: germline.

ARUP Laboratories, Molecular Genetics and Genomics, ARUP Laboratories
Classification: Benign. Last evaluated: 2017-09-29. Review status: criteria provided, single submitter. Criteria: ARUP Molecular Germline Variant Investigation Process. Collection method: clinical testing. Allele origin: germline.

Eurofins Ntd Llc (ga)
Classification: Uncertain significance. Last evaluated: 2017-05-16. Review status: criteria provided, single submitter. Criteria: EGL Classification Definitions 2015. Collection method: clinical testing. Allele origin: germline. Observed: 4 variant alleles, 4 heterozygotes.

Laboratory for Molecular Medicine, Mass General Brigham Personalized Medicine
Classification: Uncertain significance. Last evaluated: 2015-05-18. Review status: criteria provided, single submitter. Criteria: LMM Criteria. Collection method: clinical testing. Allele origin: germline. Observed: 1 variant allele.
Comment: The p.Arg13823Gln variant in TTN has not been previously reported in individuals with cardiomyopathy, but has been identified in 10/66160 European chromosomes b y the Exome Aggregation Consortium (ExAC; dbSNP rs200944827). Computational prediction tools and conservation analysis do not pr ovide strong support for or against an impact to the protein. In summary, the cl inical significance of the p.Arg13823Gln variant is uncertain.